The following is an entry in ClinVar:

ClinVar aggregate classification (germline): Uncertain significance (1 of 4 stars; one submission).

Conditions:
Glutaric aciduria, type 1. Also called: Glutaryl-CoA dehydrogenase deficiency; Glutaric Acidemia Type 1; GA I; Glutaric acidemia type I; Glutaricacidemia Type 1; Glutaricaciduria, type I. Identifiers: Orphanet 25, MedGen C0268595, MONDO:0009281, OMIM 231670.

Allele frequency attached by ClinVar (database versions not stated): TOPMed below 0.00001; ExAC 0.00001.

Submission:

Labcorp Genetics (formerly Invitae), Labcorp
Classification: Uncertain significance for Glutaric aciduria, type 1. Last evaluated: 2022-04-10. Review status: criteria provided, single submitter. Criteria: Invitae Variant Classification Sherloc (09022015). Collection method: clinical testing. Allele origin: germline.
Comment: This sequence change replaces arginine, which is basic and polar, with glutamine, which is neutral and polar, at codon 243 of the GCDH protein (p.Arg243Gln). The frequency data for this variant in the population databases is considered unreliable, as metrics indicate poor data quality at this position in the gnomAD database. This missense change has been observed in individual(s) with AMACR-related conditions (PMID: 28991257). Algorithms developed to predict the effect of missense changes on protein structure and function output the following: SIFT: "Tolerated"; PolyPhen-2: "Benign"; Align-GVGD: "Class C0". The glutamine amino acid residue is found in multiple mammalian species, which suggests that this missense change does not adversely affect protein function. In summary, the available evidence is currently insufficient to determine the role of this variant in disease. Therefore, it has been classified as a Variant of Uncertain Significance.

Literature cited by the submitters: PubMed 28991257.

NM_000159.4(GCDH):c.728G>A (p.Arg243Gln)

Gene: GCDH (glutaryl-CoA dehydrogenase; plus strand). Cytogenetic location: 19p13.13.
Variant type: single nucleotide variant.
Coding change: c.728G>A on transcript NM_000159.4 (MANE Select); coding-DNA position 728, G replaced by A.
Protein change: p.Arg243Gln; replaces arginine 243 with glutamine.
Molecular consequence: missense variant. On other transcripts: non-coding transcript variant (2).
Genome position (GRCh38, 1-based): chr19:12,896,297, G>A. VCF-style: chr19-12896297-G-A. GRCh37 (hg19) VCF-style: chr19-13007111-G-A.
Other names: c.728G>A, p.Arg243Gln (NM_013976.5); short protein forms R243Q.
Identifiers: ClinVar variation 2194210 (VCV002194210.1), dbSNP rs773713507, ClinGen allele CA9234473.
Genomic context (GRCh38, chr19:12,896,297, plus strand): 5'-TAGTGTGGGCTCGGTGTGAAGATGGCTGCATTCGGGGCTTCCTGCTGGAGAAGGGGATGC[G>A]GGGTCTCTCGGCCCCCAGGATCCAGGGCAAGTTCTCGCTGCGGGCCTCAGCCACAGGCAT-3'
Protein context (NP_000150.1, residues 233-253): IRGFLLEKGM[Arg243Gln]GLSAPRIQGK